The following is an entry in ClinVar:

ClinVar aggregate classification (germline): Uncertain significance. Review status: criteria provided, multiple submitters, no conflicts (2 of 4 stars). 2 submissions from 2 submitters: Uncertain significance (2). Last evaluated 2024-11-24.

Conditions:
Inborn genetic diseases. Identifiers: MedGen C0950123, MeSH D030342.

Submissions (2):

Ambry Genetics
Classification: Uncertain significance for Inborn genetic diseases. Last evaluated: 2024-11-24. Review status: criteria provided, single submitter. Criteria: Ambry Variant Classification Scheme 2023. Collection method: clinical testing. Allele origin: germline.

Women's Health and Genetics/Laboratory Corporation of America, LabCorp
Classification: Uncertain significance. Last evaluated: 2024-11-13. Review status: criteria provided, single submitter. Criteria: LabCorp Variant Classification Summary - May 2015. Collection method: clinical testing. Allele origin: germline.
Comment: Variant summary: WAC c.1073A>C (p.Gln358Pro) results in a non-conservative amino acid change in the encoded protein sequence. Four of five in-silico tools predict a damaging effect of the variant on protein function. The variant was absent in 251272 control chromosomes. The available data on variant occurrences in the general population are insufficient to allow any conclusion about variant significance. To our knowledge, no occurrence of c.1073A>C in individuals affected with Desanto-Shinawi Syndrome and no experimental evidence demonstrating its impact on protein function have been reported. No submitters have cited clinical-significance assessments for this variant to ClinVar. Based on the evidence outlined above, the variant was classified as uncertain significance.

NM_016628.5(WAC):c.1073A>C (p.Gln358Pro)

Gene: WAC (WW domain containing adaptor with coiled-coil; plus strand). Cytogenetic location: 10p12.1.
Variant type: single nucleotide variant.
Coding change: c.1073A>C on transcript NM_016628.5 (MANE Select); coding-DNA position 1073, A replaced by C.
Protein change: p.Gln358Pro; replaces glutamine 358 with proline.
Molecular consequence: missense variant.
Genome position (GRCh38, 1-based): chr10:28,608,339, A>C. VCF-style: chr10-28608339-A-C. GRCh37 (hg19) VCF-style: chr10-28897268-A-C.
Other names: c.938A>C, p.Gln313Pro (NM_100264.3); c.764A>C, p.Gln255Pro (NM_100486.4); short protein forms Q255P, Q313P, Q358P.
Identifiers: ClinVar variation 3468930 (VCV003468930.2).
Genomic context (GRCh38, chr10:28,608,339, plus strand): 5'-CATCTGCTTCAGCGGTCCCTGTTTCTCCTGTTCCACAGTCGCCAATACCTCCCTTACTTC[A>C]GGACCCAAATCTTCTTAGACAATTGCTTCCTGCTTTGCAAGCCACGCTGCAGCTTAATAA-3'
Protein context (NP_057712.2, residues 348-368): VPQSPIPPLL[Gln358Pro]DPNLLRQLLP